The following is an entry in ClinVar:

NM_001349206.2(LPIN1):c.1806+41G>T

Gene: LPIN1 (lipin 1; plus strand). Cytogenetic location: 2p25.1.
Variant type: single nucleotide variant.
Coding change: c.1806+41G>T on transcript NM_001349206.2 (MANE Select); 41 bases into the intron after coding-DNA position 1806, G replaced by T.
Molecular consequence: intron variant.
Genome position (GRCh38, 1-based): chr2:11,792,047, G>T. VCF-style: chr2-11792047-G-T. GRCh37 (hg19) VCF-style: chr2-11932173-G-T.
Other names: c.1953+41G>T (NM_001261428.3); c.1845+41G>T (NM_001349208.2); c.1896+41G>T (NM_001349207.2); c.1716+41G>T (NM_001261427.3); c.1806+41G>T (NM_001349204.2, NM_001349205.2); c.1803+41G>T (NM_001349202.2, NM_001349203.2); c.1776+41G>T (NM_001349200.2, NM_001349201.2); c.1698+41G>T (NM_001349199.2, NM_145693.4).
Identifiers: ClinVar variation 262586 (VCV000262586.3), dbSNP rs7561070, ClinGen allele CA1533860.

ClinVar aggregate classification (germline): Benign. Review status: criteria provided, multiple submitters, no conflicts (2 of 4 stars). 3 submissions from 3 submitters: Benign (3). Last evaluated 2018-06-14.

Allele frequency attached by ClinVar (database versions not stated): 1000 Genomes Project 0.53694; TOPMed 0.65063; ESP Exome Variant Server 0.69622; gnomAD exomes 0.53923 and 0.59357; gnomAD 0.66842 and 0.65140; 1000 Genomes Project 30x 0.54497; ExAC 0.55976.
gnomAD v4.1: 933,874 of 1,561,184 alleles (60%); highest among the groups gnomAD compares: African/African-American, 89%; 289,607 homozygotes.

Submissions (3):

GeneDx
Classification: Benign. Last evaluated: 2018-06-14. Review status: criteria provided, single submitter. Criteria: GeneDx Variant Classification (06012015). Collection method: clinical testing. Allele origin: germline. Affected: yes.
Comment: This variant is considered likely benign or benign based on one or more of the following criteria: it is a conservative change, it occurs at a poorly conserved position in the protein, it is predicted to be benign by multiple in silico algorithms, and/or has population frequency not consistent with disease.

Breakthrough Genomics
Classification: Benign. Review status: criteria provided, single submitter. Criteria: ACMG Guidelines, 2015. Collection method: not provided. Allele origin: germline. Inheritance: Autosomal recessive inheritance. Affected: yes.

PreventionGenetics, part of Exact Sciences
Classification: Benign. Review status: criteria provided, single submitter. Criteria: ACMG Guidelines, 2015. Collection method: clinical testing. Allele origin: germline.